The following is an entry in ClinVar:

NM_001035.3(RYR2):c.10505A>C (p.Glu3502Ala)

Gene: RYR2 (ryanodine receptor 2; plus strand). Cytogenetic location: 1q43.
Variant type: single nucleotide variant.
Coding change: c.10505A>C on transcript NM_001035.3 (MANE Select); coding-DNA position 10505, A replaced by C.
Protein change: p.Glu3502Ala; replaces glutamic acid 3502 with alanine.
Molecular consequence: missense variant.
Genome position (GRCh38, 1-based): chr1:237,718,472, A>C. VCF-style: chr1-237718472-A-C. GRCh37 (hg19) VCF-style: chr1-237881772-A-C.
Other names: short protein forms E3502A.
Identifiers: ClinVar variation 2908140 (VCV002908140.4), dbSNP rs752421504, ClinGen allele CA084362.

ClinVar aggregate classification (germline): Uncertain significance. Review status: criteria provided, multiple submitters, no conflicts (2 of 4 stars). 2 submissions from 2 submitters: Uncertain significance (2). Last evaluated 2024-07-29.

Conditions:
Catecholaminergic polymorphic ventricular tachycardia (CVPT). Also called: Catecholamine-induced polymorphic ventricular tachycardia. Identifiers: Orphanet 3286, MedGen C5574922, MONDO:0017990.
Catecholaminergic polymorphic ventricular tachycardia 1. Also called: VENTRICULAR TACHYCARDIA, STRESS-INDUCED POLYMORPHIC 1; VENTRICULAR TACHYCARDIA, CATECHOLAMINERGIC POLYMORPHIC, 1, WITH OR WITHOUT ATRIAL DYSFUNCTION AND/OR DILATED CARDIOMYOPATHY; RYR2-Related Catecholaminergic Polymorphic Ventricular Tachycardia. Identifiers: Orphanet 3286, MedGen C1631597, MONDO:0011484, OMIM 604772.

Allele frequency attached by ClinVar (database versions not stated): ExAC 0.00002.
gnomAD v4.1: 2 of 1,577,324 alleles (0.00013%); highest among the groups gnomAD compares: Admixed American, 0.0034%; no homozygotes.

Submissions (2):

All of Us Research Program, National Institutes of Health
Classification: Uncertain significance for Catecholaminergic polymorphic ventricular tachycardia. Last evaluated: 2024-07-29. Review status: criteria provided, single submitter. Criteria: ACMG Guidelines, 2015. Collection method: clinical testing. Allele origin: germline. Inheritance: Autosomal dominant inheritance. Observed: 1 variant allele, 1 heterozygote.
Comment: This missense variant replaces glutamic acid with alanine at codon 3502 of the RYR2 protein. Computational prediction suggests that this variant may have deleterious impact on protein structure and function (internally defined REVEL score threshold >= 0.7, PMID: 27666373). To our knowledge, functional studies have not been reported for this variant. This variant has not been reported in individuals affected with RYR2-related disorders in the literature. This variant has been identified in 2/247012 chromosomes in the general population by the Genome Aggregation Database (gnomAD). The available evidence is insufficient to determine the role of this variant in disease conclusively. Therefore, this variant is classified as a Variant of Uncertain Significance.

This study involves interpretation of variants in research participants for the purpose of population health screening. Participant phenotype was not available at the time of variant classification. Additional details can be found in publication PMID: 35346344, PMCID: PMC8962531

Labcorp Genetics (formerly Invitae), Labcorp
Classification: Uncertain significance for Catecholaminergic polymorphic ventricular tachycardia 1. Last evaluated: 2023-12-06. Review status: criteria provided, single submitter. Criteria: Invitae Variant Classification Sherloc (09022015). Collection method: clinical testing. Allele origin: germline.
Comment: This sequence change replaces glutamic acid, which is acidic and polar, with alanine, which is neutral and non-polar, at codon 3502 of the RYR2 protein (p.Glu3502Ala). This variant is present in population databases (rs752421504, gnomAD 0.006%). This variant has not been reported in the literature in individuals affected with RYR2-related conditions. Advanced modeling of protein sequence and biophysical properties (such as structural, functional, and spatial information, amino acid conservation, physicochemical variation, residue mobility, and thermodynamic stability) performed at Invitae indicates that this missense variant is expected to disrupt RYR2 protein function with a positive predictive value of 95%. In summary, the available evidence is currently insufficient to determine the role of this variant in disease. Therefore, it has been classified as a Variant of Uncertain Significance.